The following is an entry in ClinVar:

ClinVar aggregate classification (germline): Likely pathogenic (1 of 4 stars; one submission).

Conditions:
APOB-related disorder. Also called: APOB-related disorders; APOB-related condition.

Submission:

PreventionGenetics, part of Exact Sciences
Classification: Likely pathogenic for APOB-related condition. Last evaluated: 2025-11-09. Review status: criteria provided, single submitter. Criteria: ACMG Guidelines, 2015. Collection method: clinical testing. Allele origin: germline.
Comment: The APOB c.10171_10172delAG variant is predicted to result in a frameshift and premature protein termination (p.Arg3391Glyfs*18). This variant was documented in the heterozygous state in four individuals undergoing genome sequencing; however, clinical or functional data was not provided (Supplementary Table 1 in Elfatih et al. 2024. PubMed ID: 39020067). This variant has not been reported in a large population database (gnomAD), indicating this variant is rare. Frameshift variants in APOB are expected to be pathogenic. This variant is interpreted as likely pathogenic.

NM_000384.3(APOB):c.10171_10172del (p.Arg3391fs)

Gene: APOB (apolipoprotein B; minus strand). Cytogenetic location: 2p24.1.
Variant type: Deletion.
Coding change: c.10171_10172del on transcript NM_000384.3 (MANE Select); coding-DNA positions 10171 to 10172, 2 bases deleted (AG; older notation c.10171_10172delAG).
Protein change: p.Arg3391fs; shifts the reading frame from arginine 3391.
Molecular consequence: frameshift variant.
Genome position (GRCh38, 1-based): chr2:21,006,696-21,006,697, CT deleted on the plus strand (AG on the coding strand, the reverse complement: APOB is on the minus strand). VCF-style (leftmost placement, unchanged base first): chr2-21006695-CCT-C. GRCh37 (hg19) VCF-style: chr2-21229567-CCT-C.
Other names: short protein forms R3391fs.
Identifiers: ClinVar variation 4991950 (VCV004991950.1).